The following is an entry in ClinVar:

NM_001844.5(COL2A1):c.2049+4_2049+5insCCAGGTGT

Gene: COL2A1 (collagen type II alpha 1 chain; minus strand). Cytogenetic location: 12q13.11.
Variant type: Insertion.
Coding change: c.2049+4_2049+5insCCAGGTGT on transcript NM_001844.5 (MANE Select); bases 4 to 5 of the intron after coding-DNA position 2049, CCAGGTGT inserted.
Molecular consequence: intron variant.
Genome position: GRCh38 VCF-style: chr12-47983380-C-CACACCTGG. GRCh37 (hg19) VCF-style: chr12-48377163-C-CACACCTGG.
Other names: c.1842+4_1842+5insCCAGGTGT (NM_033150.3).
Identifiers: ClinVar variation 2124825 (VCV002124825.4), dbSNP rs2540138200, ClinGen allele CA2580085598.

ClinVar aggregate classification (germline): Uncertain significance (1 of 4 stars; one submission).

Submission:

Labcorp Genetics (formerly Invitae), Labcorp
Classification: Uncertain significance. Last evaluated: 2025-04-16. Review status: criteria provided, single submitter. Criteria: Invitae Variant Classification Sherloc (09022015). Collection method: clinical testing. Allele origin: germline.
Comment: This sequence change falls in intron 31 of the COL2A1 gene. It does not directly change the encoded amino acid sequence of the COL2A1 protein. It affects a nucleotide within the consensus splice site. This variant is not present in population databases (gnomAD no frequency). This variant has been observed in individual(s) with clinical features of Stickler syndrome (internal data). ClinVar contains an entry for this variant (Variation ID: 2124825). Variants that disrupt the consensus splice site are a relatively common cause of aberrant splicing (PMID: 17576681, 9536098). Algorithms developed to predict the effect of sequence changes on RNA splicing suggest that this variant may disrupt the consensus splice site. In summary, the available evidence is currently insufficient to determine the role of this variant in disease. Therefore, it has been classified as a Variant of Uncertain Significance.

Literature cited by the submitters: PubMed 17576681; PubMed 9536098.